The following is an entry in ClinVar:

NM_001430.5(EPAS1):c.2318T>C (p.Leu773Pro)

Gene: EPAS1 (endothelial PAS domain protein 1; plus strand). Cytogenetic location: 2p21.
Variant type: single nucleotide variant.
Coding change: c.2318T>C on transcript NM_001430.5 (MANE Select); coding-DNA position 2318, T replaced by C.
Protein change: p.Leu773Pro; replaces leucine 773 with proline.
Molecular consequence: missense variant.
Genome position (GRCh38, 1-based): chr2:46,382,455, T>C. VCF-style: chr2-46382455-T-C. GRCh37 (hg19) VCF-style: chr2-46609594-T-C.
Other names: short protein forms L773P.
Identifiers: ClinVar variation 2626648 (VCV002626648.2), dbSNP rs2546480759, ClinGen allele CA346706014.
Genomic context (GRCh38, chr2:46,382,455, plus strand): 5'-TACCGTCACTCTCTGACTTTGGTCTTTCAGATAAGTTCACCCAAAACCCCATGAGGGGCC[T>C]GGGCCATCCCCTGAGACATCTGCCGCTGCCACAGCCTCCATCTGCCATCAGTCCCGGGGA-3'
Protein context (NP_001421.2, residues 763-783): DKFTQNPMRG[Leu773Pro]GHPLRHLPLP

ClinVar aggregate classification (germline): Uncertain significance (1 of 4 stars; one submission).

Conditions:
Inborn genetic diseases. Identifiers: MedGen C0950123, MeSH D030342.

Submission:

Ambry Genetics
Classification: Uncertain significance for Inborn genetic diseases. Last evaluated: 2023-08-25. Review status: criteria provided, single submitter. Criteria: Ambry Variant Classification Scheme 2023. Collection method: clinical testing. Allele origin: germline.
Comment: The p.L773P variant (also known as c.2318T>C), located in coding exon 15 of the EPAS1 gene, results from a T to C substitution at nucleotide position 2318. The leucine at codon 773 is replaced by proline, an amino acid with similar properties. This amino acid position is conserved. In addition, this alteration is predicted to be tolerated by in silico analysis. Since supporting evidence is limited at this time, the clinical significance of this alteration remains unclear.